The following is an entry in ClinVar:

ClinVar aggregate classification (germline): Benign/Likely benign. Review status: criteria provided, multiple submitters, no conflicts (2 of 4 stars). 6 submissions from 5 submitters: Benign (5); Likely benign (1). Last evaluated 2026-01-26.

Conditions:
LAMB2-related infantile-onset nephrotic syndrome. Also called: Nephrotic Syndrome, type 5; NEPHROTIC SYNDROME, TYPE 5, WITHOUT OCULAR ABNORMALITIES; NEPHROTIC SYNDROME, TYPE 5, WITH OCULAR ABNORMALITIES. Identifiers: Orphanet 306507, MedGen C3280113, MONDO:0013621, OMIM 614199.
Pierson syndrome. Also called: MICROCORIA-CONGENITAL NEPHROTIC SYNDROME. Identifiers: Orphanet 2670, MedGen C1836876, MONDO:0012184, OMIM 609049.

Allele frequency attached by ClinVar (database versions not stated): ExAC 0.00134; 1000 Genomes Project 30x 0.00375; 1000 Genomes Project 0.00379; gnomAD 0.00430 and 0.00463; ESP Exome Variant Server 0.00469; TOPMed 0.00507; gnomAD exomes 0.00104.

Submissions (6):

Labcorp Genetics (formerly Invitae), Labcorp
Classification: Benign for LAMB2-related infantile-onset nephrotic syndrome; Pierson syndrome. Last evaluated: 2026-01-26. Review status: criteria provided, single submitter. Criteria: Invitae Variant Classification Sherloc (09022015). Collection method: clinical testing. Allele origin: germline.

Mayo Clinic Laboratories, Mayo Clinic
Classification: Benign. Last evaluated: 2025-03-25. Review status: criteria provided, single submitter. Criteria: ACMG Guidelines, 2015. Collection method: clinical testing. Allele origin: germline. Observed: 2 variant alleles.
Comment: BS1, BS2, BP4

Blueprint Genetics
Classification: Likely benign. Last evaluated: 2024-08-28. Review status: criteria provided, single submitter. Criteria: ACMG Guidelines, 2015. Collection method: clinical testing. Allele origin: germline.

Illumina Laboratory Services, Illumina
Classification: Benign for Pierson syndrome. Last evaluated: 2018-01-13. Review status: criteria provided, single submitter. Criteria: ICSL Variant Classification Criteria 13 December 2019. Collection method: clinical testing. Allele origin: germline.
Comment: This variant was observed in the ICSL laboratory as part of a predisposition screen in an ostensibly healthy population. It had not been previously curated by ICSL or reported in the Human Gene Mutation Database (HGMD: prior to June 1st, 2018), and was therefore a candidate for classification through an automated scoring system. Utilizing variant allele frequency, disease prevalence and penetrance estimates, and inheritance mode, an automated score was calculated to assess if this variant is too frequent to cause the disease. Based on the score and internal cut-off values, a variant classified as benign is not then subjected to further curation. The score for this variant resulted in a classification of benign for this disease.

Illumina Laboratory Services, Illumina
Classification: Benign for LAMB2-related infantile-onset nephrotic syndrome. Last evaluated: 2018-01-13. Review status: criteria provided, single submitter. Criteria: ICSL Variant Classification Criteria 13 December 2019. Collection method: clinical testing. Allele origin: germline.
Comment: the same text as in the submission from Illumina Laboratory Services, Illumina above.

PreventionGenetics, part of Exact Sciences
Classification: Benign. Review status: criteria provided, single submitter. Criteria: ACMG Guidelines, 2015. Collection method: clinical testing. Allele origin: germline.

NM_002292.4(LAMB2):c.4034G>A (p.Arg1345His)

Gene: LAMB2 (laminin subunit beta 2; minus strand). Cytogenetic location: 3p21.31.
Variant type: single nucleotide variant.
Coding change: c.4034G>A on transcript NM_002292.4 (MANE Select); coding-DNA position 4034, G replaced by A.
Protein change: p.Arg1345His; replaces arginine 1345 with histidine.
Molecular consequence: missense variant.
Genome position (GRCh38, 1-based): chr3:49,123,322, C>T on the plus strand (G>A on the coding strand, the complement: LAMB2 is on the minus strand). VCF-style: chr3-49123322-C-T. GRCh37 (hg19) VCF-style: chr3-49160755-C-T.
Other names: p.Arg1345His; short protein forms R1345H.
Identifiers: ClinVar variation 258610 (VCV000258610.20), dbSNP rs75073433, ClinGen allele CA2393885.